The following is an entry in ClinVar:

NM_000540.3(RYR1):c.3124G>A (p.Val1042Met)

Gene: RYR1 (ryanodine receptor 1; plus strand). Cytogenetic location: 19q13.2.
Variant type: single nucleotide variant.
Coding change: c.3124G>A on transcript NM_000540.3 (MANE Select); coding-DNA position 3124, G replaced by A.
Protein change: p.Val1042Met; replaces valine 1042 with methionine.
Molecular consequence: missense variant.
Genome position (GRCh38, 1-based): chr19:38,466,344, G>A. VCF-style: chr19-38466344-G-A. GRCh37 (hg19) VCF-style: chr19-38956984-G-A.
Other names: c.3124G>A, p.Val1042Met (NM_001042723.2); c.3124G>A (NM_000540.2); short protein forms V1042M.
Identifiers: ClinVar variation 1489982 (VCV001489982.11), dbSNP rs540088339, ClinGen allele CA064442.

ClinVar aggregate classification (germline): Uncertain significance. Review status: criteria provided, multiple submitters, no conflicts (2 of 4 stars). 6 submissions from 6 submitters: Uncertain significance (6). Last evaluated 2026-07-07.

Conditions:
RYR1-related disorder. Also called: RYR1-related condition; RYR1-related disorders. Identifiers: MedGen CN239331.
Malignant hyperthermia, susceptibility to, 1 (MHS1). Also called: Anesthesia related hyperthermia; Malignant hyperpyrexia; Fulminating hyperpyrexia; Pharmacogenic myopathy; RYR1-Related Malignant Hyperthermia Susceptibility; Malignant hyperthermia suceptibility 1. Identifiers: Orphanet 423, MedGen C2930980, MONDO:0007783, OMIM 145600.
Congenital myopathy with fiber type disproportion. Also called: Congenital fiber-type disproportion; Congenital fiber-type disproportion myopathy. Identifiers: Orphanet 2020, MedGen C0546264, MONDO:0009711. Inheritance: all.
Central core myopathy (CMYO1A). Also called: Central core disease; Myopathy, central fibrillar; CONGENITAL MYOPATHY 1A, AUTOSOMAL DOMINANT, WITH SUSCEPTIBILITY TO MALIGNANT HYPERTHERMIA. Identifiers: Orphanet 597, MedGen C5830701, MONDO:0007294, OMIM 117000.
Congenital multicore myopathy with external ophthalmoplegia (CMYO1B). Also called: Congenital myopathy 1B, autosomal recessive; Minicore myopathy; MULTIMINICORE DISEASE WITH EXTERNAL OPHTHALMOPLEGIA; MULTICORE MYOPATHY; Minicore myopathy with external ophthalmoplegia. Identifiers: Orphanet 598, Orphanet 98905, MedGen C1850674, MONDO:0009712, OMIM 255320, HP:0003789.
King Denborough syndrome (KDS). Identifiers: MedGen C1840365, MONDO:0020485, OMIM 619542.
Inborn genetic diseases. Identifiers: MedGen C0950123, MeSH D030342.

Allele frequency attached by ClinVar (database versions not stated): TOPMed 0.00001; 1000 Genomes Project 0.00040; 1000 Genomes Project 30x 0.00031.

Submissions (6):

Ambry Genetics
Classification: Uncertain significance for Inborn genetic diseases. Last evaluated: 2026-07-07. Review status: criteria provided, single submitter. Criteria: Ambry Variant Classification Scheme 2023. Collection method: clinical testing. Allele origin: germline.
Comment: The p.V1042M variant (also known as c.3124G>A), located in coding exon 24 of the RYR1 gene, results from a G to A substitution at nucleotide position 3124. The valine at codon 1042 is replaced by methionine, an amino acid with highly similar properties. This amino acid position is conserved. In addition, the in silico prediction for this alteration is inconclusive. Based on the available evidence, the clinical significance of this variant remains unclear.

Labcorp Genetics (formerly Invitae), Labcorp
Classification: Uncertain significance for RYR1-related disorder. Last evaluated: 2025-05-29. Review status: criteria provided, single submitter. Criteria: Invitae Variant Classification Sherloc (09022015). Collection method: clinical testing. Allele origin: germline.
Comment: This sequence change replaces valine, which is neutral and non-polar, with methionine, which is neutral and non-polar, at codon 1042 of the RYR1 protein (p.Val1042Met). The frequency data for this variant in the population databases is considered unreliable, as metrics indicate poor data quality at this position in the gnomAD database. This variant has not been reported in the literature in individuals affected with RYR1-related conditions. ClinVar contains an entry for this variant (Variation ID: 1489982). Invitae Evidence Modeling of protein sequence and biophysical properties (such as structural, functional, and spatial information, amino acid conservation, physicochemical variation, residue mobility, and thermodynamic stability) has been performed for this missense variant. However, the output from this modeling did not meet the statistical confidence thresholds required to predict the impact of this variant on RYR1 protein function. In summary, the available evidence is currently insufficient to determine the role of this variant in disease. Therefore, it has been classified as a Variant of Uncertain Significance.

All of Us Research Program, National Institutes of Health
Classification: Uncertain significance for Malignant hyperthermia, susceptibility to, 1. Last evaluated: 2024-09-28. Review status: criteria provided, single submitter. Criteria: ACMG Guidelines, 2015. Collection method: clinical testing. Allele origin: germline. Inheritance: Autosomal dominant inheritance. Observed: 6 variant alleles, 6 heterozygotes.
Comment: This missense variant replaces valine with methionine at codon 1042 of the RYR1 protein. Computational prediction suggests that this variant may have deleterious impact on protein structure and function (internally defined REVEL score threshold >= 0.7, PMID: 27666373). To our knowledge, functional studies have not been reported for this variant. This variant has not been reported in individuals affected with RYR1-related disorders in the literature. This variant has been identified in 8/207572 chromosomes in the general population by the Genome Aggregation Database (gnomAD). The available evidence is insufficient to determine the role of this variant in disease conclusively. Therefore, this variant is classified as a Variant of Uncertain Significance.

This study involves interpretation of variants in research participants for the purpose of population health screening. Participant phenotype was not available at the time of variant classification. Additional details can be found in publication PMID: 35346344, PMCID: PMC8962531

Revvity Omics, Revvity
Classification: Uncertain significance. Last evaluated: 2024-05-22. Review status: criteria provided, single submitter. Criteria: ACMG Guidelines, 2015. Collection method: clinical testing. Allele origin: germline.

Color Diagnostics, LLC DBA Color Health
Classification: Uncertain significance for Malignant hyperthermia, susceptibility to, 1. Last evaluated: 2024-03-07. Review status: criteria provided, single submitter. Criteria: ACMG Guidelines, 2015. Collection method: clinical testing. Allele origin: germline.
Comment: This missense variant replaces valine with methionine at codon 1042 of the RYR1 protein. Computational prediction suggests that this variant may not impact protein structure and function. To our knowledge, functional studies have not been reported for this variant. This variant has not been reported in individuals affected with RYR1-related disorders in the literature. This variant has been identified in 8/207572 chromosomes in the general population by the Genome Aggregation Database (gnomAD). The available evidence is insufficient to determine the role of this variant in disease conclusively. Therefore, this variant is classified as a Variant of Uncertain Significance.

Fulgent Genetics
Classification: Uncertain significance for Central core myopathy; Malignant hyperthermia, susceptibility to, 1; Congenital myopathy 4A, autosomal dominant; Congenital multicore myopathy with external ophthalmoplegia; King Denborough syndrome. Last evaluated: 2021-08-11. Review status: criteria provided, single submitter. Criteria: ACMG Guidelines, 2015. Collection method: clinical testing. Allele origin: unknown.